The following continues an entry in ClinVar:

NM_000059.4(BRCA2):c.5575A>G (p.Ile1859Val)

Gene: BRCA2. ClinVar aggregate classification (germline): Conflicting classifications of pathogenicity. Uncertain significance (10); Likely benign (2).

Submissions 11 to 13 of 13:

Women's Health and Genetics/Laboratory Corporation of America, LabCorp
Classification: Uncertain significance. Last evaluated: 2017-03-13. Review status: criteria provided, single submitter. Criteria: LabCorp Variant Classification Summary - May 2015. Collection method: clinical testing. Allele origin: germline.
Comment: Variant summary: The BRCA2 c.5575A>G (p.Ile1859Val) variant causes a missense change involving the alteration of a non-conserved nucleotide. 4/5 in silico tools predict a benign outcome for this variant. This variant is absent in 120450 control chromosomes. In addition, multiple clinical diagnostic laboratories/reputable databases classified this variant as uncertain significance. The variant of interest has not, to our knowledge, been reported in affected individuals via publications; nor evaluated for functional impact by in vivo/vitro studies. The variant is located in one of the BRCA repeats that is critical for binding to RAD51 (a key protein in DNA recombinational repair) and resistance to methyl methanesulphonate treatment (IPR002093). However, because of the absence of clinical information and the lack of functional studies, the variant is classified as a variant of uncertain significance (VUS) until additional information becomes available.

GeneDx
Classification: Uncertain significance. Last evaluated: 2015-07-30. Review status: criteria provided, single submitter. Criteria: GeneDx Variant Classification (06012015). Collection method: clinical testing. Allele origin: germline. Affected: yes.
Comment: This variant is denoted BRCA2 c.5575A>G at the cDNA level, p.Ile1859Val (I1859V) at the protein level, and results in the change of an Isoleucine to a Valine (ATT>GTT). Using alternate nomenclature, this variant would be defined as BRCA2 5803A>G. This variant has not, to our knowledge, been published in the literature as pathogenic or benign. BRCA2 Ile1859Val was not observed in approximately 6,500 individuals of European and African American ancestry in the NHLBI Exome Sequencing Project, indicating it is not a common benign variant in these populations. Since Isoleucine and Valine share similar properties, this is considered a conservative amino acid substitution. BRCA2 Ile1859Val occurs at a position that is not conserved and is located in the 6th BRC repeat domain and RAD51 binding region (Roy 2012, UniProt). In silico analyses predict that this variant is unlikely to alter protein structure or function. Based on currently available information, it is unclear whether BRCA2 Ile1859Val is pathogenic or benign. We consider it to be a variant of uncertain significance.

Sharing Clinical Reports Project (SCRP)
Classification: Uncertain significance for Breast-ovarian cancer, familial 2. Last evaluated: 2010-09-22. Review status: no assertion criteria provided. Collection method: clinical testing. Allele origin: germline. Not counted in ClinVar's aggregate classification.

Literature cited by the submitters: PubMed 31131967 (cited by Color Diagnostics, LLC DBA Color Health and Quest Diagnostics Nichols Institute San Juan Capistrano); PubMed 31853058 (cited by Color Diagnostics, LLC DBA Color Health); PubMed 33471991 (cited by 3 submitters); PubMed 31911673 (cited by Quest Diagnostics Nichols Institute San Juan Capistrano).